The following is an entry in ClinVar:

NM_000038.6(APC):c.5914C>G (p.Leu1972Val)

Gene: APC (APC regulator of Wnt signaling pathway; plus strand). Cytogenetic location: 5q22.2.
Variant type: single nucleotide variant.
Coding change: c.5914C>G on transcript NM_000038.6 (MANE Select); coding-DNA position 5914, C replaced by G.
Protein change: p.Leu1972Val; replaces leucine 1972 with valine.
Molecular consequence: missense variant.
Genome position (GRCh38, 1-based): chr5:112,841,508, C>G. VCF-style: chr5-112841508-C-G. GRCh37 (hg19) VCF-style: chr5-112177205-C-G.
Other names: c.5914C>G, p.Leu1972Val (NM_001127510.3, NM_001354895.2, NM_001407450.1); c.5860C>G, p.Leu1954Val (NM_001127511.3); c.5968C>G, p.Leu1990Val (NM_001354896.2, NM_001407447.1, NM_001407448.1 and 1 more transcripts); c.5944C>G, p.Leu1982Val (NM_001354897.2); c.5839C>G, p.Leu1947Val (NM_001354898.2); c.5830C>G, p.Leu1944Val (NM_001354899.2); c.5791C>G, p.Leu1931Val (NM_001354900.2); c.5737C>G, p.Leu1913Val (NM_001354901.2, NM_001407453.1); and 12 more; short protein forms L1588V, L1812V, L1871V, L1889V, L1947V, L1962V, L1965V, L1972V.
Identifiers: ClinVar variation 1914580 (VCV001914580.9), dbSNP rs1222940653, ClinGen allele CA16034268.

ClinVar aggregate classification (germline): Uncertain significance. Review status: criteria provided, multiple submitters, no conflicts (2 of 4 stars). 4 submissions from 4 submitters: Uncertain significance (4). Last evaluated 2025-07-06.

Conditions:
Hereditary cancer-predisposing syndrome. Also called: Neoplastic Syndromes, Hereditary; Hereditary Cancer Syndrome; Tumor predisposition; Hereditary neoplastic syndrome. Identifiers: Orphanet 140162, MedGen C0027672, MeSH D009386, MONDO:0015356.
Familial adenomatous polyposis 1 (FAP1). Also called: FAMILIAL ADENOMATOUS POLYPOSIS 1, ATTENUATED; POLYPOSIS, ADENOMATOUS INTESTINAL. Identifiers: MedGen C2713442, MONDO:0021056, OMIM 175100. Disease mechanism: loss of function.

gnomAD v4.1: 5 of 1,613,812 alleles (0.00031%); highest among the groups gnomAD compares: Non-Finnish European, 0.00042%; no homozygotes.

Submissions (4):

Labcorp Genetics (formerly Invitae), Labcorp
Classification: Uncertain significance for Familial adenomatous polyposis 1. Last evaluated: 2025-07-06. Review status: criteria provided, single submitter. Criteria: Invitae Variant Classification Sherloc (09022015). Collection method: clinical testing. Allele origin: germline.
Comment: This sequence change replaces leucine, which is neutral and non-polar, with valine, which is neutral and non-polar, at codon 1972 of the APC protein (p.Leu1972Val). This variant is not present in population databases (gnomAD no frequency). This variant has not been reported in the literature in individuals affected with APC-related conditions. ClinVar contains an entry for this variant (Variation ID: 1914580). Invitae Evidence Modeling of protein sequence and biophysical properties (such as structural, functional, and spatial information, amino acid conservation, physicochemical variation, residue mobility, and thermodynamic stability) indicates that this missense variant is not expected to disrupt APC protein function with a negative predictive value of 95%. In summary, the available evidence is currently insufficient to determine the role of this variant in disease. Therefore, it has been classified as a Variant of Uncertain Significance.

Ambry Genetics
Classification: Uncertain significance for Hereditary cancer-predisposing syndrome. Last evaluated: 2025-03-31. Review status: criteria provided, single submitter. Criteria: Ambry Variant Classification Scheme 2023. Collection method: clinical testing. Allele origin: germline.
Comment: The p.L1972V variant (also known as c.5914C>G), located in coding exon 15 of the APC gene, results from a C to G substitution at nucleotide position 5914. The leucine at codon 1972 is replaced by valine, an amino acid with highly similar properties. This amino acid position is conserved. In addition, in silico predictors for this gene do not accurately predict pathogenicity. Based on the available evidence, the clinical significance of this variant remains unclear.

GeneDx
Classification: Uncertain significance. Last evaluated: 2024-02-05. Review status: criteria provided, single submitter. Criteria: GeneDx Variant Classification Process June 2021. Collection method: clinical testing. Allele origin: germline. Affected: yes.
Comment: Not observed at significant frequency in large population cohorts (gnomAD); In silico analysis supports that this missense variant does not alter protein structure/function; Has not been previously published as pathogenic or benign to our knowledge

Color Diagnostics, LLC DBA Color Health
Classification: Uncertain significance for Hereditary cancer-predisposing syndrome. Last evaluated: 2023-11-13. Review status: criteria provided, single submitter. Criteria: ACMG Guidelines, 2015. Collection method: clinical testing. Allele origin: germline.
Comment: This missense variant replaces leucine with valine at codon 1972 of the APC protein. Computational prediction is inconclusive regarding the impact of this variant on protein structure and function (internally defined REVEL score threshold 0.5 < inconclusive < 0.7, PMID: 27666373). To our knowledge, functional studies have not been reported for this variant. This variant has not been reported in individuals affected with APC-related disorders in the literature. This variant has not been identified in the general population by the Genome Aggregation Database (gnomAD). The available evidence is insufficient to determine the role of this variant in disease conclusively. Therefore, this variant is classified as a Variant of Uncertain Significance.